The following is an entry in ClinVar:

ClinVar aggregate classification (germline): Likely benign. Review status: criteria provided, multiple submitters, no conflicts (2 of 4 stars). 3 submissions from 3 submitters: Likely benign (3). Last evaluated 2026-04-14.

Conditions:
TULP1-related disorder. Also called: TULP1-related disorders; TULP1-related condition.

Allele frequency attached by ClinVar (database versions not stated): gnomAD 0.00004 and 0.00005; ESP Exome Variant Server 0.00015.
gnomAD v4.1: 53 of 1,613,492 alleles (0.0033%); highest among the groups gnomAD compares: Middle Eastern, 0.033%; no homozygotes.

Submissions (3):

PreventionGenetics, part of Exact Sciences
Classification: Likely benign for TULP1-related condition. Last evaluated: 2026-04-14. Review status: criteria provided, single submitter. Criteria: ACMG Guidelines, 2015. Collection method: clinical testing. Allele origin: germline.
Comment: This variant is classified as likely benign based on ACMG/AMP sequence variant interpretation guidelines (Richards et al. 2015 PMID: 25741868, with internal and published modifications).

Labcorp Genetics (formerly Invitae), Labcorp
Classification: Likely benign. Last evaluated: 2026-01-21. Review status: criteria provided, single submitter. Criteria: Invitae Variant Classification Sherloc (09022015). Collection method: clinical testing. Allele origin: germline.

Blueprint Genetics
Classification: Likely benign. Last evaluated: 2024-09-07. Review status: criteria provided, single submitter. Criteria: ACMG Guidelines, 2015. Collection method: clinical testing. Allele origin: germline.

NM_003322.6(TULP1):c.719-7C>T

Gene: TULP1 (TUB like protein 1; minus strand). Cytogenetic location: 6p21.31.
Variant type: single nucleotide variant.
Coding change: c.719-7C>T on transcript NM_003322.6 (MANE Select); 7 bases into the intron before coding-DNA position 719, C replaced by T.
Molecular consequence: intron variant.
Genome position (GRCh38, 1-based): chr6:35,509,319, G>A on the plus strand (C>T on the coding strand, the complement: TULP1 is on the minus strand). VCF-style: chr6-35509319-G-A. GRCh37 (hg19) VCF-style: chr6-35477096-G-A.
Other names: c.560-7C>T (NM_001289395.2); c.719-7C>T (NM_003322.5).
Identifiers: ClinVar variation 1091023 (VCV001091023.11), dbSNP rs373962196, ClinGen allele CA3772824.